The following is an entry in ClinVar:

ClinVar aggregate classification (germline): Uncertain significance. Review status: criteria provided, multiple submitters, no conflicts (2 of 4 stars). 2 submissions from 2 submitters: Uncertain significance (2). Last evaluated 2024-11-13.

Conditions:
Primary ciliary dyskinesia. Also called: Ciliary dyskinesia. Identifiers: Orphanet 244, MedGen C0008780, MONDO:0016575, HP:0012265.

Submissions (2):

Ambry Genetics
Classification: Uncertain significance for Primary ciliary dyskinesia. Last evaluated: 2024-11-13. Review status: criteria provided, single submitter. Criteria: Ambry Variant Classification Scheme 2023. Collection method: clinical testing. Allele origin: germline.

Labcorp Genetics (formerly Invitae), Labcorp
Classification: Uncertain significance for Primary ciliary dyskinesia. Last evaluated: 2019-04-02. Review status: criteria provided, single submitter. Criteria: Invitae Variant Classification Sherloc (09022015). Collection method: clinical testing. Allele origin: germline.
Comment: This sequence change replaces aspartic acid with asparagine at codon 278 of the DNAAF5 protein (p.Asp278Asn). The aspartic acid residue is highly conserved and there is a small physicochemical difference between aspartic acid and asparagine. This variant is not present in population databases (ExAC no frequency). This variant has not been reported in the literature in individuals with DNAAF5-related conditions. Algorithms developed to predict the effect of missense changes on protein structure and function are either unavailable or do not agree on the potential impact of this missense change (SIFT: "Deleterious"; PolyPhen-2: "Probably Damaging"; Align-GVGD: "Class C0"). In summary, the available evidence is currently insufficient to determine the role of this variant in disease. Therefore, it has been classified as a Variant of Uncertain Significance.

NM_017802.4(DNAAF5):c.832G>A (p.Asp278Asn)

Gene: DNAAF5 (dynein axonemal assembly factor 5; plus strand). Cytogenetic location: 7p22.3.
Variant type: single nucleotide variant.
Coding change: c.832G>A on transcript NM_017802.4 (MANE Select); coding-DNA position 832, G replaced by A.
Protein change: p.Asp278Asn; replaces aspartic acid 278 with asparagine.
Molecular consequence: missense variant. On other transcripts: non-coding transcript variant (1).
Genome position (GRCh38, 1-based): chr7:740,870, G>A. VCF-style: chr7-740870-G-A. GRCh37 (hg19) VCF-style: chr7-780507-G-A.
Other names: short protein forms D278N.
Identifiers: ClinVar variation 643736 (VCV000643736.3), dbSNP rs1583482252, ClinGen allele CA366534025.